The following is an entry in ClinVar:

ClinVar aggregate classification (germline): Benign/Likely benign. Review status: criteria provided, multiple submitters, no conflicts (2 of 4 stars). 3 submissions from 3 submitters: Benign (1); Likely benign (2). Last evaluated 2024-10-01.

Conditions:
Hereditary cancer-predisposing syndrome. Also called: Hereditary neoplastic syndrome; Tumor predisposition; Hereditary Cancer Syndrome; Neoplastic Syndromes, Hereditary. Identifiers: Orphanet 140162, MedGen C0027672, MeSH D009386, MONDO:0015356.
Familial cancer of breast. Also called: BREAST CANCER, FAMILIAL; hereditary breast carcinoma; Hereditary breast cancer. Identifiers: Orphanet 227535, MedGen C0346153, MONDO:0016419, OMIM 114480. Disease mechanism: loss of function.

Allele frequency attached by ClinVar (database versions not stated): gnomAD exomes below 0.00001; TOPMed below 0.00001.

Submissions (3):

Myriad Genetics, Inc.
Classification: Benign for Familial cancer of breast. Last evaluated: 2024-10-01. Review status: criteria provided, single submitter. Criteria: Myriad Autosomal Dominant, Autosomal Recessive and X-Linked Classification Criteria (2023). Collection method: clinical testing. Allele origin: unknown.
Comment: This variant is considered benign. This variant is a silent/synonymous amino acid change and it is not expected to impact splicing.

Ambry Genetics
Classification: Likely benign for Hereditary cancer-predisposing syndrome. Last evaluated: 2023-07-19. Review status: criteria provided, single submitter. Criteria: Ambry Variant Classification Scheme 2023. Collection method: clinical testing. Allele origin: germline.

Labcorp Genetics (formerly Invitae), Labcorp
Classification: Likely benign for Familial cancer of breast. Last evaluated: 2023-06-23. Review status: criteria provided, single submitter. Criteria: Invitae Variant Classification Sherloc (09022015). Collection method: clinical testing. Allele origin: germline.

NM_007194.4(CHEK2):c.48T>C (p.Ser16=)

Gene: CHEK2 (checkpoint kinase 2; minus strand). Cytogenetic location: 22q12.1.
Variant type: single nucleotide variant.
Coding change: c.48T>C on transcript NM_007194.4 (MANE Select); coding-DNA position 48, T replaced by C.
Protein change: p.Ser16=; no amino-acid change (serine 16 retained).
Molecular consequence: synonymous variant.
Genome position (GRCh38, 1-based): chr22:28,734,674, A>G on the plus strand (T>C on the coding strand, the complement: CHEK2 is on the minus strand). VCF-style: chr22-28734674-A-G. GRCh37 (hg19) VCF-style: chr22-29130662-A-G.
Other names: c.48T>C, p.Ser16= (NM_001005735.3, NM_001349956.3, NM_145862.3); c.-730T>C (NM_001257387.3).
Identifiers: ClinVar variation 2586651 (VCV002586651.6), dbSNP rs958282985, ClinGen allele CA322998901.